The following is an entry in ClinVar:

NM_001142864.4(PIEZO1):c.2911A>G (p.Thr971Ala)

Genes: HSALR1 (HSP90AB1 associated lncRNA 1; plus strand), PIEZO1 (piezo type mechanosensitive ion channel component 1 (Er blood group); minus strand). Cytogenetic location: 16q24.3.
Variant type: single nucleotide variant.
Coding change: c.2911A>G on transcript NM_001142864.4 (MANE Select); coding-DNA position 2911, A replaced by G.
Protein change: p.Thr971Ala; replaces threonine 971 with alanine.
Molecular consequence: missense variant.
Genome position (GRCh38, 1-based): chr16:88,732,415, T>C on the plus strand (A>G on the coding strand, the complement: PIEZO1 is on the minus strand). VCF-style: chr16-88732415-T-C. GRCh37 (hg19) VCF-style: chr16-88798823-T-C.
Other names: c.1453A>G, p.Thr485Ala (NM_014745.1); c.2911A>G (NM_001142864.2); short protein forms T485A, T971A.
Identifiers: ClinVar variation 2921178 (VCV002921178.4), dbSNP rs780025201, ClinGen allele CA286420401.

ClinVar aggregate classification (germline): Conflicting classifications of pathogenicity. Review status: criteria provided, conflicting classifications (1 of 4 stars). 4 submissions from 4 submitters: Uncertain significance (3); Benign (1). Last evaluated 2025-10-12.

Conditions:
Lymphatic malformation 6 (LMPHM6). Also called: GENERALIZED LYMPHATIC DYSPLASIA OF FOTIOU; Lymphedema, hereditary, III; PIEZO1-related generalized lymphatic dysplasia with non-immune hydrops fetalis. Identifiers: Orphanet 568062, MedGen C4225184, MONDO:0014797, OMIM 616843.
Inborn genetic diseases. Identifiers: MedGen C0950123, MeSH D030342.

Allele frequency attached by ClinVar (database versions not stated): TOPMed 0.00011; gnomAD 0.00007.

Submissions (4):

Labcorp Genetics (formerly Invitae), Labcorp
Classification: Benign. Last evaluated: 2025-10-12. Review status: criteria provided, single submitter. Criteria: Invitae Variant Classification Sherloc (09022015). Collection method: clinical testing. Allele origin: germline.

Clinical Genomics Laboratory, Washington University in St. Louis
Classification: Uncertain significance for Lymphatic malformation 6. Last evaluated: 2025-08-19. Review status: criteria provided, single submitter. Criteria: ACMG Guidelines, 2015. Collection method: clinical testing. Allele origin: germline.
Comment: A PIEZO1 c.2911A>G (p.Thr971Ala) variant was identified at a near heterozygous allelic fraction of 46.4%, a frequency which may be consistent with it being of germline origin. This variant, to our knowledge, has not been reported in the medical literature; however, it has been listed in the ClinVar database as a germline variant of uncertain significance by two submitters (ClinVar Variation ID: 2921178). It is observed on 18/1,549,062 alleles in the general population (gnomAD v4.1.0). Computational predictors suggest that the variant does not impact PIEZO1 function. Due to limited information, and based on ACMG/AMP guidelines for variant interpretation (Richards S et al., PMID: 25741868), the clinical significance of this variant is uncertain at this time.

Ambry Genetics
Classification: Uncertain significance for Inborn genetic diseases. Last evaluated: 2025-05-16. Review status: criteria provided, single submitter. Criteria: Ambry Variant Classification Scheme 2023. Collection method: clinical testing. Allele origin: germline.

ARUP Laboratories, Molecular Genetics and Genomics, ARUP Laboratories
Classification: Uncertain significance. Last evaluated: 2023-05-02. Review status: criteria provided, single submitter. Criteria: ARUP Molecular Germline Variant Investigation Process 2024. Collection method: clinical testing. Allele origin: germline.